The following is an entry in ClinVar:

ClinVar aggregate classification (germline): Uncertain significance. Review status: criteria provided, multiple submitters, no conflicts (2 of 4 stars). 2 submissions from 2 submitters: Uncertain significance (2). Last evaluated 2025-05-20.

Allele frequency attached by ClinVar (database versions not stated): gnomAD 0.00005; TOPMed 0.00005; ExAC 0.00006.
gnomAD v4.1: 130 of 1,613,732 alleles (0.0081%); highest among the groups gnomAD compares: Non-Finnish European, 0.0099%; no homozygotes.

Submissions (2):

Ambry Genetics
Classification: Uncertain significance. Last evaluated: 2025-05-20. Review status: criteria provided, single submitter. Criteria: Ambry Variant Classification Scheme 2023. Collection method: clinical testing. Allele origin: germline.

Labcorp Genetics (formerly Invitae), Labcorp
Classification: Uncertain significance. Last evaluated: 2025-03-27. Review status: criteria provided, single submitter. Criteria: Invitae Variant Classification Sherloc (09022015). Collection method: clinical testing. Allele origin: germline.
Comment: This sequence change replaces threonine, which is neutral and polar, with methionine, which is neutral and non-polar, at codon 127 of the AQP5 protein (p.Thr127Met). This variant is present in population databases (rs771274265, gnomAD 0.008%). This variant has not been reported in the literature in individuals affected with AQP5-related conditions. ClinVar contains an entry for this variant (Variation ID: 2148469). Invitae Evidence Modeling of protein sequence and biophysical properties (such as structural, functional, and spatial information, amino acid conservation, physicochemical variation, residue mobility, and thermodynamic stability) has been performed for this missense variant. However, the output from this modeling did not meet the statistical confidence thresholds required to predict the impact of this variant on AQP5 protein function. In summary, the available evidence is currently insufficient to determine the role of this variant in disease. Therefore, it has been classified as a Variant of Uncertain Significance.

NM_001651.4(AQP5):c.380C>T (p.Thr127Met)

Gene: AQP5 (aquaporin 5; plus strand). Cytogenetic location: 12q13.12.
Variant type: single nucleotide variant.
Coding change: c.380C>T on transcript NM_001651.4 (MANE Select); coding-DNA position 380, C replaced by T.
Protein change: p.Thr127Met; replaces threonine 127 with methionine.
Molecular consequence: missense variant.
Genome position (GRCh38, 1-based): chr12:49,963,508, C>T. VCF-style: chr12-49963508-C-T. GRCh37 (hg19) VCF-style: chr12-50357291-C-T.
Other names: c.380C>T (NM_001651.2); short protein forms T127M.
Identifiers: ClinVar variation 2148469 (VCV002148469.5), dbSNP rs771274265, ClinGen allele CA6559515.